The following is an entry in ClinVar:

NM_004370.6(COL12A1):c.2970T>A (p.Asp990Glu)

Gene: COL12A1 (collagen type XII alpha 1 chain; minus strand). Cytogenetic location: 6q13.
Variant type: single nucleotide variant.
Coding change: c.2970T>A on transcript NM_004370.6 (MANE Select); coding-DNA position 2970, T replaced by A.
Protein change: p.Asp990Glu; replaces aspartic acid 990 with glutamic acid.
Molecular consequence: missense variant. On other transcripts: intron variant (1).
Genome position (GRCh38, 1-based): chr6:75,165,520, A>T on the plus strand (T>A on the coding strand, the complement: COL12A1 is on the minus strand). VCF-style: chr6-75165520-A-T. GRCh37 (hg19) VCF-style: chr6-75875236-A-T.
Other names: c.74-13038T>A (NM_080645.3); short protein forms D990E.
Identifiers: ClinVar variation 2088232 (VCV002088232.4), dbSNP rs767047264, ClinGen allele CA3893846.

ClinVar aggregate classification (germline): Uncertain significance (1 of 4 stars; one submission).

Conditions:
Ullrich congenital muscular dystrophy 2 (UCMD2). Identifiers: Orphanet 75840, MedGen C4225314, MONDO:0014654, OMIM 616470.
Bethlem myopathy 2 (BTHLM2). Identifiers: Orphanet 536516, Orphanet 610, MedGen C4225313, MONDO:0034022, OMIM 616471.

Allele frequency attached by ClinVar (database versions not stated): gnomAD exomes below 0.00001; ExAC 0.00001.
gnomAD v4.1: 1 of 1,613,546 alleles (0.000062%); highest among the groups gnomAD compares: Non-Finnish European, 0.000085%; no homozygotes.

Submission:

Labcorp Genetics (formerly Invitae), Labcorp
Classification: Uncertain significance for Bethlem myopathy 2; Ullrich congenital muscular dystrophy 2. Last evaluated: 2023-06-30. Review status: criteria provided, single submitter. Criteria: Invitae Variant Classification Sherloc (09022015). Collection method: clinical testing. Allele origin: germline.
Comment: ClinVar contains an entry for this variant (Variation ID: 2088232). In summary, the available evidence is currently insufficient to determine the role of this variant in disease. Therefore, it has been classified as a Variant of Uncertain Significance. Advanced modeling of protein sequence and biophysical properties (such as structural, functional, and spatial information, amino acid conservation, physicochemical variation, residue mobility, and thermodynamic stability) performed at Invitae indicates that this missense variant is not expected to disrupt COL12A1 protein function. This variant has not been reported in the literature in individuals affected with COL12A1-related conditions. This variant is present in population databases (rs767047264, gnomAD 0.0009%). This sequence change replaces aspartic acid, which is acidic and polar, with glutamic acid, which is acidic and polar, at codon 990 of the COL12A1 protein (p.Asp990Glu).